The following is an entry in ClinVar:

NM_001267550.2(TTN):c.43652dup (p.His14551fs)

Gene: TTN (titin; minus strand). Cytogenetic location: 2q31.2.
Variant type: Duplication.
Coding change: c.43652dup on transcript NM_001267550.2 (MANE Select); coding-DNA position 43652, one base duplicated (A; older notation c.43652dupA).
Protein change: p.His14551fs; shifts the reading frame from histidine 14551.
Molecular consequence: frameshift variant.
Genome position (GRCh38, 1-based): chr2:178,632,242, T duplicated on the plus strand (A on the coding strand, the reverse complement: TTN is on the minus strand). VCF-style (leftmost placement, unchanged base first): chr2-178632241-A-AT. GRCh37 (hg19) VCF-style: chr2-179496968-A-AT.
Other names: c.38729dup, p.His12910fs (NM_001256850.1); c.16457dup, p.His5486fs (NM_003319.4); c.35948dup, p.His11983fs (NM_133378.4); c.16832dup, p.His5611fs (NM_133432.3); c.17033dup, p.His5678fs (NM_133437.4); short protein forms H12910fs, H5486fs, H11983fs, H14551fs, H5611fs, H5678fs.
Identifiers: ClinVar variation 2123143 (VCV002123143.4), dbSNP rs2471455384, ClinGen allele CA2580065114.
Genomic context (GRCh38, chr2:178,632,241, plus strand): 5'-CATAGCTTCTACTCTAATTTGGGAGGTGTCATCAATAGACAGGTCTTTGAATGTGATCGA[A>AT]TGAGTTTTCCCTTCGTCTTGCATTGAGACCGACCTGGTGGTGTGTAGGCGCTGGTCATTC-3'

ClinVar aggregate classification (germline): Likely pathogenic (1 of 4 stars; one submission).

Conditions:
Autosomal recessive limb-girdle muscular dystrophy type 2J (LGMDR10). Also called: Limb-girdle muscular dystrophy, type 2J; MUSCULAR DYSTROPHY, LIMB-GIRDLE, AUTOSOMAL RECESSIVE 10. Identifiers: Orphanet 140922, MedGen C1837342, MONDO:0012127, OMIM 608807.
Dilated cardiomyopathy 1G (CMD1G). Identifiers: Orphanet 154, MedGen C1858763, MONDO:0011400, OMIM 604145.

Submission:

Labcorp Genetics (formerly Invitae), Labcorp
Classification: Likely pathogenic for Dilated cardiomyopathy 1G; Autosomal recessive limb-girdle muscular dystrophy type 2J. Last evaluated: 2025-06-08. Review status: criteria provided, single submitter. Criteria: Invitae Variant Classification Sherloc (09022015). Collection method: clinical testing. Allele origin: germline.
Comment: This sequence change creates a premature translational stop signal (p.His14551Glnfs*11) in the TTN gene. While this is not anticipated to result in nonsense mediated decay, it is expected to create a truncated TTN protein. This variant is not present in population databases (gnomAD no frequency). This variant has not been observed in the literature in individuals with autosomal recessive TTN-related conditions. This variant has been reported in individual(s) with clinical features of dilated cardiomyopathy (PMID: 35653365); however, the role of the variant in this condition is currently unclear. ClinVar contains an entry for this variant (Variation ID: 2123143). This variant is located in the I band of TTN (PMID: 25589632). Truncating variants in this region have been reported in individuals affected with autosomal recessive centronuclear myopathy (PMID: 23975875, internal data). Truncating variants in this region have also been identified in individuals affected with autosomal dominant dilated cardiomyopathy and/or cardio-related conditions (PMID: 27869827, 32964742, internal data). In summary, the currently available evidence indicates that the variant is pathogenic, but additional data are needed to prove that conclusively. Therefore, this variant has been classified as Likely Pathogenic.

Literature cited by the submitters: PubMed 35653365; PubMed 25589632; PubMed 23975875; PubMed 27869827; PubMed 32964742.